The following is an entry in ClinVar:

NM_002860.4(ALDH18A1):c.64A>G (p.Lys22Glu)

Gene: ALDH18A1 (aldehyde dehydrogenase 18 family member A1; minus strand). Cytogenetic location: 10q24.1.
Variant type: single nucleotide variant.
Coding change: c.64A>G on transcript NM_002860.4 (MANE Select); coding-DNA position 64, A replaced by G.
Protein change: p.Lys22Glu; replaces lysine 22 with glutamic acid.
Molecular consequence: missense variant. On other transcripts: 5 prime UTR variant (4).
Genome position (GRCh38, 1-based): chr10:95,653,314, T>C on the plus strand (A>G on the coding strand, the complement: ALDH18A1 is on the minus strand). VCF-style: chr10-95653314-T-C. GRCh37 (hg19) VCF-style: chr10-97413071-T-C.
Other names: c.64A>G, p.Lys22Glu (NM_001017423.2, NM_001323413.2, NM_001323414.2 and 2 more transcripts); c.-55A>G (NM_001323412.2, NM_001323416.2, NM_001323418.2); c.-103A>G (NM_001323419.2); short protein forms K22E.
Identifiers: ClinVar variation 3749143 (VCV003749143.3).

ClinVar aggregate classification (germline): Uncertain significance. Review status: criteria provided, multiple submitters, no conflicts (2 of 4 stars). 2 submissions from 2 submitters: Uncertain significance (2). Last evaluated 2024-06-06.

Conditions:
Cutis laxa, autosomal dominant 3 (ADCL3). Identifiers: Orphanet 90348, MedGen C4225268, MONDO:0014706, OMIM 616603.
Autosomal dominant spastic paraplegia type 9. Identifiers: MedGen C1832669, MONDO:0015091.
de Barsy syndrome. Also called: Cutis laxa-corneal clouding-oligophrenia syndrome. Identifiers: Orphanet 2962, MedGen C0268354, MONDO:0017569.
Intellectual disability. Also called: Intellectual developmental disorder; Intellectual functioning disability; intellectual disabilities. Identifiers: MedGen C3714756, MeSH D008607, MONDO:0001071, HP:0001249.

gnomAD v4.1: 17 of 1,612,640 alleles (0.0011%); highest among the groups gnomAD compares: Non-Finnish European, 0.0014%; no homozygotes.

Submissions (2):

Labcorp Genetics (formerly Invitae), Labcorp
Classification: Uncertain significance for Autosomal dominant spastic paraplegia type 9; de Barsy syndrome; Cutis laxa, autosomal dominant 3. Last evaluated: 2024-06-06. Review status: criteria provided, single submitter. Criteria: Invitae Variant Classification Sherloc (09022015). Collection method: clinical testing. Allele origin: germline.
Comment: This sequence change replaces lysine, which is basic and polar, with glutamic acid, which is acidic and polar, at codon 22 of the ALDH18A1 protein (p.Lys22Glu). This variant is not present in population databases (gnomAD no frequency). This variant has not been reported in the literature in individuals affected with ALDH18A1-related conditions. An algorithm developed to predict the effect of missense changes on protein structure and function (PolyPhen-2) suggests that this variant is likely to be tolerated. In summary, the available evidence is currently insufficient to determine the role of this variant in disease. Therefore, it has been classified as a Variant of Uncertain Significance.

Cambridge Genomics Laboratory, East Genomic Laboratory Hub, NHS Genomic Medicine Service
Classification: Uncertain significance for Intellectual disability. Last evaluated: 2020-04-29. Review status: criteria provided, single submitter. Criteria: ACGS Best Practice Guidelines for Variant Classification in Rare Disease 2020. Collection method: clinical testing. Allele origin: germline. Affected: yes. Observed: 1 variant allele.